The following is an entry in ClinVar:

NM_000088.4(COL1A1):c.935G>A (p.Arg312His)

Gene: COL1A1 (collagen type I alpha 1 chain; minus strand). Cytogenetic location: 17q21.33.
Variant type: single nucleotide variant.
Coding change: c.935G>A on transcript NM_000088.4 (MANE Select); coding-DNA position 935, G replaced by A.
Protein change: p.Arg312His; replaces arginine 312 with histidine.
Molecular consequence: missense variant.
Genome position (GRCh38, 1-based): chr17:50,196,336, C>T on the plus strand (G>A on the coding strand, the complement: COL1A1 is on the minus strand). VCF-style: chr17-50196336-C-T. GRCh37 (hg19) VCF-style: chr17-48273697-C-T.
Other names: short protein forms R312H.
Identifiers: ClinVar variation 1702183 (VCV001702183.9), dbSNP rs930476771, ClinGen allele CA291547212.

ClinVar aggregate classification (germline): Uncertain significance. Review status: criteria provided, multiple submitters, no conflicts (2 of 4 stars). 3 submissions from 3 submitters: Uncertain significance (2). 1 of the submissions does not count toward it. Last evaluated 2025-10-06.

Conditions:
Ehlers-Danlos syndrome (EDS). Identifiers: Orphanet 98249, MedGen C0013720, MONDO:0020066.
COL1A1-related disorder. Also called: COL1A1-related condition; COL1A1- related disease.
Osteogenesis imperfecta type I (OI1). Also called: OI, TYPE I; OSTEOGENESIS IMPERFECTA TARDA; OSTEOGENESIS IMPERFECTA WITH BLUE SCLERAE; Osteogenesis imperfecta type 1; Lobstein's Disease; Lobstein disease. Identifiers: Orphanet 216796, Orphanet 666, MedGen C0023931, MONDO:0008146, OMIM 166200. Disease mechanism: loss of function.

Allele frequency attached by ClinVar (database versions not stated): TOPMed below 0.00001; gnomAD 0.00001.
gnomAD v4.1: 17 of 1,610,844 alleles (0.0011%); highest among the groups gnomAD compares: Admixed American, 0.0034%; no homozygotes.

Submissions (3):

Labcorp Genetics (formerly Invitae), Labcorp
Classification: Uncertain significance for Osteogenesis imperfecta type I. Last evaluated: 2025-10-06. Review status: criteria provided, single submitter. Criteria: Invitae Variant Classification Sherloc (09022015). Collection method: clinical testing. Allele origin: germline.
Comment: This sequence change replaces arginine, which is basic and polar, with histidine, which is basic and polar, at codon 312 of the COL1A1 protein (p.Arg312His). The frequency data for this variant in the population databases is considered unreliable, as metrics indicate poor data quality at this position in the gnomAD database. This variant has not been reported in the literature in individuals affected with COL1A1-related conditions. ClinVar contains an entry for this variant (Variation ID: 1702183). Invitae Evidence Modeling of protein sequence and biophysical properties (such as structural, functional, and spatial information, amino acid conservation, physicochemical variation, residue mobility, and thermodynamic stability) indicates that this missense variant is expected to disrupt COL1A1 protein function with a positive predictive value of 95%. This variant disrupts the p.Arg312 amino acid residue in COL1A1. Other variant(s) that disrupt this residue have been determined to be pathogenic (PMID: 10739762, 17211858, 23587214, 25597651, 28102596). This suggests that this residue is clinically significant, and that variants that disrupt this residue are likely to be disease-causing. In summary, the available evidence is currently insufficient to determine the role of this variant in disease. Therefore, it has been classified as a Variant of Uncertain Significance.

Genome Diagnostics Laboratory, The Hospital for Sick Children
Classification: Uncertain significance for Ehlers-Danlos syndrome. Last evaluated: 2021-11-04. Review status: criteria provided, single submitter. Criteria: ACMG Guidelines, 2015. Collection method: clinical testing. Allele origin: germline.

PreventionGenetics, part of Exact Sciences
Classification: Uncertain significance for COL1A1-related condition. Last evaluated: 2024-06-11. Review status: no assertion criteria provided. Collection method: clinical testing. Allele origin: germline. Not counted in ClinVar's aggregate classification.
Comment: The COL1A1 c.935G>A variant is predicted to result in the amino acid substitution p.Arg312His. To our knowledge, this variant has not been reported in the literature. This variant is reported in 0.0056% of alleles in individuals of East Asian descent in gnomAD. At this time, the clinical significance of this variant is uncertain due to the absence of conclusive functional and genetic evidence.

Literature cited by the submitters: PubMed 10739762 (cited by Labcorp Genetics (formerly Invitae), Labcorp); PubMed 17211858 (cited by Labcorp Genetics (formerly Invitae), Labcorp); PubMed 23587214 (cited by Labcorp Genetics (formerly Invitae), Labcorp); PubMed 25597651 (cited by Labcorp Genetics (formerly Invitae), Labcorp); PubMed 28102596 (cited by Labcorp Genetics (formerly Invitae), Labcorp).